The following is an entry in ClinVar:

NM_000342.4(SLC4A1):c.2153T>C (p.Leu718Pro)

Gene: SLC4A1 (solute carrier family 4 member 1 (Diego blood group); minus strand). Cytogenetic location: 17q21.31.
Variant type: single nucleotide variant.
Coding change: c.2153T>C on transcript NM_000342.4 (MANE Select); coding-DNA position 2153, T replaced by C.
Protein change: p.Leu718Pro; replaces leucine 718 with proline.
Molecular consequence: missense variant.
Genome position (GRCh38, 1-based): chr17:44,253,276, A>G on the plus strand (T>C on the coding strand, the complement: SLC4A1 is on the minus strand). VCF-style: chr17-44253276-A-G. GRCh37 (hg19) VCF-style: chr17-42330644-A-G.
Other names: short protein forms L718P.
Identifiers: ClinVar variation 3666451 (VCV003666451.2).

ClinVar aggregate classification (germline): Uncertain significance (1 of 4 stars; one submission).

Submission:

Labcorp Genetics (formerly Invitae), Labcorp
Classification: Uncertain significance. Last evaluated: 2025-01-20. Review status: criteria provided, single submitter. Criteria: Invitae Variant Classification Sherloc (09022015). Collection method: clinical testing. Allele origin: germline.
Comment: This sequence change replaces leucine, which is neutral and non-polar, with proline, which is neutral and non-polar, at codon 718 of the SLC4A1 protein (p.Leu718Pro). This variant is not present in population databases (gnomAD no frequency). This variant has not been reported in the literature in individuals affected with SLC4A1-related conditions. Invitae Evidence Modeling of protein sequence and biophysical properties (such as structural, functional, and spatial information, amino acid conservation, physicochemical variation, residue mobility, and thermodynamic stability) indicates that this missense variant is expected to disrupt SLC4A1 protein function with a positive predictive value of 80%. In summary, the available evidence is currently insufficient to determine the role of this variant in disease. Therefore, it has been classified as a Variant of Uncertain Significance.